The following is an entry in ClinVar:

ClinVar aggregate classification (germline): Uncertain significance. Review status: criteria provided, multiple submitters, no conflicts (2 of 4 stars). 3 submissions from 3 submitters: Uncertain significance (3). Last evaluated 2025-01-30.

Conditions:
Hereditary von Willebrand disease. Identifiers: Orphanet 903, MedGen C5703318, MONDO:0019565. Inheritance: Autosomal recessive or Autosomal dominant.

Allele frequency attached by ClinVar (database versions not stated): gnomAD exomes below 0.00001 and 0.00001; gnomAD 0.00001; TOPMed 0.00001.
gnomAD v4.1: 19 of 1,613,792 alleles (0.0012%); highest among the groups gnomAD compares: Non-Finnish European, 0.0016%; no homozygotes.

Submissions (3):

Quest Diagnostics Nichols Institute San Juan Capistrano
Classification: Uncertain significance. Last evaluated: 2025-01-30. Review status: criteria provided, single submitter. Criteria: Quest Diagnostics criteria. Collection method: clinical testing. Allele origin: unknown.
Comment: The VWF c.1001G>A (p.Gly334Glu) variant has been reported in the published literature in individuals affected with Type 2N (PMID: 22871923 (2012)), Type 1/1H (PMID: 28971901 (2017)), and Type 1/2N (PMID: 33942438 (2021), 34494337 (2021)) von Willebrand disease (vWD). Assessment of experimental evidence regarding the effect of this variant on protein function suggests it has no effect relevant to disease (PMID: 33942438 (2021)). The frequency of this variant in the general population (Genome Aggregation Database) is uninformative in the assessment of its pathogenicity. Analysis of this variant using bioinformatics tools for the prediction of the effect of amino acid changes on protein structure and function yielded predictions that this variant is damaging. Based on the available information, we are unable to determine the clinical significance of this variant.

Revvity Omics, Revvity
Classification: Uncertain significance. Last evaluated: 2023-12-22. Review status: criteria provided, single submitter. Criteria: ACMG Guidelines, 2015. Collection method: clinical testing. Allele origin: germline.

NIHR Bioresource Rare Diseases, University of Cambridge
Classification: Uncertain significance for von Willebrand disorder. Last evaluated: 2019-02-01. Review status: criteria provided, single submitter. Criteria: ACMG Guidelines, 2015. Collection method: research. Allele origin: unknown. Affected: yes. Observed: 1 heterozygote. Study: ThromboGenomics.

Literature cited by the submitters: PubMed 28971901 (cited by Quest Diagnostics Nichols Institute San Juan Capistrano); PubMed 31064749 (cited by Quest Diagnostics Nichols Institute San Juan Capistrano and NIHR Bioresource Rare Diseases, University of Cambridge); PubMed 33942438 (cited by Quest Diagnostics Nichols Institute San Juan Capistrano); PubMed 34494337 (cited by Quest Diagnostics Nichols Institute San Juan Capistrano); PubMed 22871923 (cited by Quest Diagnostics Nichols Institute San Juan Capistrano).

NM_000552.5(VWF):c.1001G>A (p.Gly334Glu)

Gene: VWF (von Willebrand factor; minus strand). Cytogenetic location: 12p13.31.
Variant type: single nucleotide variant.
Coding change: c.1001G>A on transcript NM_000552.5 (MANE Select); coding-DNA position 1001, G replaced by A.
Protein change: p.Gly334Glu; replaces glycine 334 with glutamic acid.
Molecular consequence: missense variant.
Genome position (GRCh38, 1-based): chr12:6,072,439, C>T on the plus strand (G>A on the coding strand, the complement: VWF is on the minus strand). VCF-style: chr12-6072439-C-T. GRCh37 (hg19) VCF-style: chr12-6181605-C-T.
Other names: c.1001G>A (NM_000552.4); short protein forms G334E.
Identifiers: ClinVar variation 626947 (VCV000626947.4), dbSNP rs932134873, ClinGen allele CA232322015.